The following is an entry in ClinVar:

NM_015267.4(CUX2):c.3733G>C (p.Gly1245Arg)

Gene: CUX2 (cut like homeobox 2; plus strand). Cytogenetic location: 12q24.12.
Variant type: single nucleotide variant.
Coding change: c.3733G>C on transcript NM_015267.4 (MANE Select); coding-DNA position 3733, G replaced by C.
Protein change: p.Gly1245Arg; replaces glycine 1245 with arginine.
Molecular consequence: missense variant.
Genome position (GRCh38, 1-based): chr12:111,347,597, G>C. VCF-style: chr12-111347597-G-C. GRCh37 (hg19) VCF-style: chr12-111785401-G-C.
Other names: c.3547G>C, p.Gly1183Arg (NM_001370598.1); c.3733G>C (NM_015267.3); short protein forms G1183R, G1245R.
Identifiers: ClinVar variation 3025675 (VCV003025675.24), dbSNP rs199977880, ClinGen allele CA6789204.

ClinVar aggregate classification (germline): Likely benign. Review status: criteria provided, multiple submitters, no conflicts (2 of 4 stars). 3 submissions from 3 submitters: Likely benign (3). Last evaluated 2024-10-11.

Conditions:
Inborn genetic diseases. Identifiers: MedGen C0950123, MeSH D030342.

Allele frequency attached by ClinVar (database versions not stated): TOPMed 0.00004; gnomAD exomes 0.00006; gnomAD 0.00009; ExAC 0.00012; 1000 Genomes Project 0.00040; 1000 Genomes Project 30x 0.00047.
gnomAD v4.1: 104 of 1,613,630 alleles (0.0064%); highest among the groups gnomAD compares: South Asian, 0.011%; no homozygotes.

Submissions (3):

Blueprint Genetics
Classification: Likely benign. Last evaluated: 2024-10-11. Review status: criteria provided, single submitter. Criteria: ACMG Guidelines, 2015. Collection method: clinical testing. Allele origin: germline.

Ambry Genetics
Classification: Likely benign for Inborn genetic diseases. Last evaluated: 2024-09-03. Review status: criteria provided, single submitter. Criteria: Ambry Variant Classification Scheme 2023. Collection method: clinical testing. Allele origin: germline.

CeGaT Center for Human Genetics Tuebingen
Classification: Likely benign. Last evaluated: 2024-01-01. Review status: criteria provided, single submitter. Criteria: CeGaT Center For Human Genetics Tuebingen Variant Classification Criteria Version 2. Collection method: clinical testing. Allele origin: germline. Affected: yes. Observed: 1 variant allele.
Comment: CUX2: BP4